The following is an entry in ClinVar:

ClinVar aggregate classification (germline): Uncertain significance (1 of 4 stars; one submission).

Allele frequency attached by ClinVar (database versions not stated): gnomAD exomes below 0.00001.
gnomAD v4.1: 4 of 1,614,158 alleles (0.00025%); highest among the groups gnomAD compares: African/African-American, 0.004%; no homozygotes.

Submission:

Labcorp Genetics (formerly Invitae), Labcorp
Classification: Uncertain significance. Last evaluated: 2019-12-18. Review status: criteria provided, single submitter. Criteria: Invitae Variant Classification Sherloc (09022015). Collection method: clinical testing. Allele origin: germline.
Comment: In summary, the available evidence is currently insufficient to determine the role of this variant in disease. Therefore, it has been classified as a Variant of Uncertain Significance. This sequence change replaces alanine with threonine at codon 1210 of the VCAN protein (p.Ala1210Thr). The alanine residue is moderately conserved and there is a small physicochemical difference between alanine and threonine. This variant is not present in population databases (ExAC no frequency). This variant has not been reported in the literature in individuals with VCAN-related conditions. Algorithms developed to predict the effect of missense changes on protein structure and function output the following: SIFT: "Tolerated"; PolyPhen-2: "Benign"; Align-GVGD: "Class C0". The threonine amino acid residue is found in multiple mammalian species, suggesting that this missense change does not adversely affect protein function. These predictions have not been confirmed by published functional studies and their clinical significance is uncertain.

NM_004385.5(VCAN):c.3628G>A (p.Ala1210Thr)

Gene: VCAN (versican; plus strand). Cytogenetic location: 5q14.3.
Variant type: single nucleotide variant.
Coding change: c.3628G>A on transcript NM_004385.5 (MANE Select); coding-DNA position 3628, G replaced by A.
Protein change: p.Ala1210Thr; replaces alanine 1210 with threonine.
Molecular consequence: missense variant. On other transcripts: intron variant (2).
Genome position (GRCh38, 1-based): chr5:83,521,934, G>A. VCF-style: chr5-83521934-G-A. GRCh37 (hg19) VCF-style: chr5-82817753-G-A.
Other names: c.3628G>A, p.Ala1210Thr (NM_001164098.2); c.1042+9538G>A (NM_001164097.2, NM_001126336.3); short protein forms A1210T.
Identifiers: ClinVar variation 845518 (VCV000845518.9), dbSNP rs1746120961, ClinGen allele CA360306474.